The following is an entry in ClinVar:

ClinVar aggregate classification (germline): Uncertain significance (1 of 4 stars; one submission).

Conditions:
Developmental and epileptic encephalopathy, 12 (DEE12). Identifiers: MedGen C3150988, MONDO:0013389, OMIM 613722.

Allele frequency attached by ClinVar (database versions not stated): gnomAD 0.00001; TOPMed 0.00002.
gnomAD v4.1: 7 of 1,551,942 alleles (0.00045%); highest among the groups gnomAD compares: Non-Finnish European, 0.00061%; no homozygotes.

Submission:

Labcorp Genetics (formerly Invitae), Labcorp
Classification: Uncertain significance for Developmental and epileptic encephalopathy, 12. Last evaluated: 2024-10-28. Review status: criteria provided, single submitter. Criteria: Invitae Variant Classification Sherloc (09022015). Collection method: clinical testing. Allele origin: germline.
Comment: This sequence change falls in intron 8 of the PNKP gene. It does not directly change the encoded amino acid sequence of the PNKP protein. It affects a nucleotide within the consensus splice site. This variant is present in population databases (no rsID available, gnomAD 0.002%). This variant has not been reported in the literature in individuals affected with PNKP-related conditions. ClinVar contains an entry for this variant (Variation ID: 1063142). Variants that disrupt the consensus splice site are a relatively common cause of aberrant splicing (PMID: 17576681, 9536098). Algorithms developed to predict the effect of sequence changes on RNA splicing suggest that this variant is not likely to affect RNA splicing. In summary, the available evidence is currently insufficient to determine the role of this variant in disease. Therefore, it has been classified as a Variant of Uncertain Significance.

Literature cited by the submitters: PubMed 17576681; PubMed 9536098.

NM_007254.4(PNKP):c.816+3G>A

Gene: PNKP (polynucleotide kinase 3'-phosphatase; minus strand). Cytogenetic location: 19q13.33.
Variant type: single nucleotide variant.
Coding change: c.816+3G>A on transcript NM_007254.4 (MANE Select); 3 bases into the intron after coding-DNA position 816, G replaced by A.
Molecular consequence: intron variant.
Genome position (GRCh38, 1-based): chr19:49,863,686, C>T on the plus strand (G>A on the coding strand, the complement: PNKP is on the minus strand). VCF-style: chr19-49863686-C-T. GRCh37 (hg19) VCF-style: chr19-50366943-C-T.
Identifiers: ClinVar variation 1063142 (VCV001063142.6), dbSNP rs763767031, ClinGen allele CA309496177.